The following is an entry in ClinVar:

ClinVar aggregate classification (germline): Uncertain significance (1 of 4 stars; one submission).

Allele frequency attached by ClinVar (database versions not stated): gnomAD exomes 0.00001; gnomAD 0.00003.

Submission:

Labcorp Genetics (formerly Invitae), Labcorp
Classification: Uncertain significance. Last evaluated: 2023-01-10. Review status: criteria provided, single submitter. Criteria: Invitae Variant Classification Sherloc (09022015). Collection method: clinical testing. Allele origin: germline.
Comment: The frequency data for this variant in the population databases is considered unreliable, as metrics indicate poor data quality at this position in the gnomAD database. This sequence change replaces arginine, which is basic and polar, with histidine, which is basic and polar, at codon 188 of the PNLIP protein (p.Arg188His). This variant has not been reported in the literature in individuals affected with PNLIP-related conditions. In summary, the available evidence is currently insufficient to determine the role of this variant in disease. Therefore, it has been classified as a Variant of Uncertain Significance. Advanced modeling of protein sequence and biophysical properties (such as structural, functional, and spatial information, amino acid conservation, physicochemical variation, residue mobility, and thermodynamic stability) performed at Invitae indicates that this missense variant is expected to disrupt PNLIP protein function.

NM_000936.4(PNLIP):c.563G>A (p.Arg188His)

Gene: PNLIP (pancreatic lipase; plus strand). Cytogenetic location: 10q25.3.
Variant type: single nucleotide variant.
Coding change: c.563G>A on transcript NM_000936.4 (MANE Select); coding-DNA position 563, G replaced by A.
Protein change: p.Arg188His; replaces arginine 188 with histidine.
Molecular consequence: missense variant.
Genome position (GRCh38, 1-based): chr10:116,553,830, G>A. VCF-style: chr10-116553830-G-A. GRCh37 (hg19) VCF-style: chr10-118313342-G-A.
Other names: short protein forms R188H.
Identifiers: ClinVar variation 2182706 (VCV002182706.4), dbSNP rs941348581, ClinGen allele CA214643443.